The following is an entry in ClinVar:

ClinVar aggregate classification (germline): Uncertain significance (1 of 4 stars; one submission).

gnomAD v4.1: 2 of 1,613,470 alleles (0.00012%); highest among the groups gnomAD compares: Non-Finnish European, 0.000085%; no homozygotes.

Submission:

Labcorp Genetics (formerly Invitae), Labcorp
Classification: Uncertain significance. Last evaluated: 2024-10-21. Review status: criteria provided, single submitter. Criteria: Invitae Variant Classification Sherloc (09022015). Collection method: clinical testing. Allele origin: germline.
Comment: This sequence change replaces serine, which is neutral and polar, with alanine, which is neutral and non-polar, at codon 1910 of the MPDZ protein (p.Ser1910Ala). This variant is not present in population databases (gnomAD no frequency). This variant has not been reported in the literature in individuals affected with MPDZ-related conditions. ClinVar contains an entry for this variant (Variation ID: 1424739). An algorithm developed to predict the effect of missense changes on protein structure and function (PolyPhen-2) suggests that this variant is likely to be tolerated. In summary, the available evidence is currently insufficient to determine the role of this variant in disease. Therefore, it has been classified as a Variant of Uncertain Significance.

NM_001378778.1(MPDZ):c.5815T>G (p.Ser1939Ala)

Gene: MPDZ (multiple PDZ domain crumbs cell polarity complex component; minus strand). Cytogenetic location: 9p23.
Variant type: single nucleotide variant.
Coding change: c.5815T>G on transcript NM_001378778.1 (MANE Select); coding-DNA position 5815, T replaced by G.
Protein change: p.Ser1939Ala; replaces serine 1939 with alanine.
Molecular consequence: missense variant.
Genome position (GRCh38, 1-based): chr9:13,110,650, A>C on the plus strand (T>G on the coding strand, the complement: MPDZ is on the minus strand). VCF-style: chr9-13110650-A-C. GRCh37 (hg19) VCF-style: chr9-13110649-A-C.
Other names: c.5716T>G, p.Ser1906Ala (NM_001261406.2, NM_001375416.1, NM_001375417.1 and 1 more transcripts); c.5629T>G, p.Ser1877Ala (NM_001261407.2, NM_001375419.1); c.5815T>G, p.Ser1939Ala (NM_001330637.2); c.5914T>G, p.Ser1972Ala (NM_001375413.1); c.5605T>G, p.Ser1869Ala (NM_001375420.1, NM_001375421.1, NM_001375422.1 and 2 more transcripts); c.5518T>G, p.Ser1840Ala (NM_001375425.1, NM_001375426.1); c.5407T>G, p.Ser1803Ala (NM_001375427.1); c.5728T>G, p.Ser1910Ala (NM_003829.5); short protein forms S1803A, S1939A, S1972A, S1840A, S1869A, S1877A, S1906A, S1910A.
Identifiers: ClinVar variation 1424739 (VCV001424739.8), dbSNP rs768088594, ClinGen allele CA372940522.